The following is an entry in ClinVar:

ClinVar aggregate classification (germline): Uncertain significance (1 of 4 stars; one submission).

Submission:

GeneDx
Classification: Uncertain significance. Last evaluated: 2023-11-22. Review status: criteria provided, single submitter. Criteria: GeneDx Variant Classification Process June 2021. Collection method: clinical testing. Allele origin: germline. Affected: yes.
Comment: Not observed at significant frequency in large population cohorts (gnomAD); In silico analysis supports that this missense variant has a deleterious effect on protein structure/function; Has not been previously published as pathogenic or benign to our knowledge

NM_014712.3(SETD1A):c.4301G>T (p.Gly1434Val)

Gene: SETD1A (SET domain containing 1A, histone lysine methyltransferase; plus strand). Cytogenetic location: 16p11.2.
Variant type: single nucleotide variant.
Coding change: c.4301G>T on transcript NM_014712.3 (MANE Select); coding-DNA position 4301, G replaced by T.
Protein change: p.Gly1434Val; replaces glycine 1434 with valine.
Molecular consequence: missense variant.
Genome position (GRCh38, 1-based): chr16:30,980,087, G>T. VCF-style: chr16-30980087-G-T. GRCh37 (hg19) VCF-style: chr16-30991408-G-T.
Other names: short protein forms G1434V.
Identifiers: ClinVar variation 3364451 (VCV003364451.1).